The following is an entry in ClinVar:

NM_000391.4(TPP1):c.1588G>A (p.Glu530Lys)

Gene: TPP1 (tripeptidyl peptidase 1; minus strand). Cytogenetic location: 11p15.4.
Variant type: single nucleotide variant.
Coding change: c.1588G>A on transcript NM_000391.4 (MANE Select); coding-DNA position 1588, G replaced by A.
Protein change: p.Glu530Lys; replaces glutamic acid 530 with lysine.
Molecular consequence: missense variant.
Genome position (GRCh38, 1-based): chr11:6,614,650, C>T on the plus strand (G>A on the coding strand, the complement: TPP1 is on the minus strand). VCF-style: chr11-6614650-C-T. GRCh37 (hg19) VCF-style: chr11-6635881-C-T.
Other names: short protein forms E530K.
Identifiers: ClinVar variation 1693391 (VCV001693391.3), dbSNP rs1476756779, ClinGen allele CA379472150.

ClinVar aggregate classification (germline): Uncertain significance (1 of 4 stars; one submission).

Allele frequency attached by ClinVar (database versions not stated): gnomAD 0.00001; gnomAD exomes below 0.00001; TOPMed 0.00002.

Submission:

GeneDx
Classification: Uncertain significance. Last evaluated: 2025-07-03. Review status: criteria provided, single submitter. Criteria: GeneDx Variant Classification Process June 2021. Collection method: clinical testing. Allele origin: germline. Affected: yes.
Comment: Not observed at significant frequency in large population cohorts (gnomAD); In silico analysis suggests that this missense variant does not alter protein structure/function; Has not been previously published as pathogenic or benign to our knowledge